The following is an entry in ClinVar:

NM_001042492.3(NF1):c.6368A>G (p.His2123Arg)

Gene: NF1 (neurofibromin 1; plus strand). Cytogenetic location: 17q11.2.
Variant type: single nucleotide variant.
Coding change: c.6368A>G on transcript NM_001042492.3 (MANE Select); coding-DNA position 6368, A replaced by G.
Protein change: p.His2123Arg; replaces histidine 2123 with arginine.
Molecular consequence: missense variant.
Genome position (GRCh38, 1-based): chr17:31,336,855, A>G. VCF-style: chr17-31336855-A-G. GRCh37 (hg19) VCF-style: chr17-29663873-A-G.
Other names: c.6305A>G, p.His2102Arg (NM_000267.4); short protein forms H2102R, H2123R.
Identifiers: ClinVar variation 527573 (VCV000527573.6), dbSNP rs112546213, ClinGen allele CA289386357.

ClinVar aggregate classification (germline): Uncertain significance. Review status: criteria provided, multiple submitters, no conflicts (2 of 4 stars). 2 submissions from 2 submitters: Uncertain significance (2). Last evaluated 2024-11-17.

Conditions:
Neurofibromatosis, type 1 (NF1). Also called: VON RECKLINGHAUSEN DISEASE; NEUROFIBROMATOSIS, TYPE I, SOMATIC; Peripheral type neurofibromatosis; Neurofibromatosis, type I. Identifiers: Orphanet 636, MedGen C0027831, MONDO:0018975, OMIM 162200. Disease mechanism: loss of function.
Cardiovascular phenotype. Identifiers: MedGen CN230736.
Hereditary cancer-predisposing syndrome. Also called: Neoplastic Syndromes, Hereditary; Tumor predisposition; Hereditary neoplastic syndrome; Hereditary Cancer Syndrome. Identifiers: Orphanet 140162, MedGen C0027672, MeSH D009386, MONDO:0015356.

Submissions (2):

Ambry Genetics
Classification: Uncertain significance for Cardiovascular phenotype; Hereditary cancer-predisposing syndrome. Last evaluated: 2024-11-17. Review status: criteria provided, single submitter. Criteria: Ambry Variant Classification Scheme 2023. Collection method: clinical testing. Allele origin: germline.
Comment: The p.H2102R variant (also known as c.6305A>G), located in coding exon 41 of the NF1 gene, results from an A to G substitution at nucleotide position 6305. The histidine at codon 2102 is replaced by arginine, an amino acid with highly similar properties. This amino acid position is conserved. In addition, this alteration is predicted to be deleterious by in silico analysis. Based on the available evidence, the clinical significance of this variant remains unclear.

Labcorp Genetics (formerly Invitae), Labcorp
Classification: Uncertain significance for Neurofibromatosis, type 1. Last evaluated: 2023-04-28. Review status: criteria provided, single submitter. Criteria: Invitae Variant Classification Sherloc (09022015). Collection method: clinical testing. Allele origin: germline.
Comment: In summary, the available evidence is currently insufficient to determine the role of this variant in disease. Therefore, it has been classified as a Variant of Uncertain Significance. Advanced modeling of protein sequence and biophysical properties (such as structural, functional, and spatial information, amino acid conservation, physicochemical variation, residue mobility, and thermodynamic stability) performed at Invitae indicates that this missense variant is expected to disrupt NF1 protein function. ClinVar contains an entry for this variant (Variation ID: 527573). This variant has not been reported in the literature in individuals affected with NF1-related conditions. This variant is not present in population databases (gnomAD no frequency). This sequence change replaces histidine, which is basic and polar, with arginine, which is basic and polar, at codon 2102 of the NF1 protein (p.His2102Arg).